The following is an entry in ClinVar:

ClinVar aggregate classification (germline): Likely benign. Review status: criteria provided, multiple submitters, no conflicts (2 of 4 stars). 3 submissions from 3 submitters: Likely benign (3). Last evaluated 2025-12-22.

Conditions:
Hereditary nonpolyposis colorectal neoplasms. Identifiers: MedGen C0009405, MeSH D003123.
Hereditary cancer-predisposing syndrome. Also called: Hereditary Cancer Syndrome; Hereditary neoplastic syndrome; Neoplastic Syndromes, Hereditary; Tumor predisposition. Identifiers: Orphanet 140162, MedGen C0027672, MeSH D009386, MONDO:0015356.
Lynch syndrome 5 (LYNCH5). Also called: Hereditary non-polyposis colorectal cancer, type 5; Colorectal cancer, hereditary nonpolyposis, type 5. Identifiers: Orphanet 144, MedGen C1833477, MONDO:0013710, OMIM 614350. Disease mechanism: loss of function.

gnomAD v4.1: 3 of 1,603,684 alleles (0.00019%); highest among the groups gnomAD compares: Non-Finnish European, 0.00026%; no homozygotes.

Submissions (3):

Labcorp Genetics (formerly Invitae), Labcorp
Classification: Likely benign for Hereditary nonpolyposis colorectal neoplasms. Last evaluated: 2025-12-22. Review status: criteria provided, single submitter. Criteria: Invitae Variant Classification Sherloc (09022015). Collection method: clinical testing. Allele origin: germline.

Myriad Genetics, Inc.
Classification: Likely benign for Lynch syndrome 5. Last evaluated: 2025-01-09. Review status: criteria provided, single submitter. Criteria: Myriad Autosomal Dominant, Autosomal Recessive and X-Linked Classification Criteria (2023). Collection method: clinical testing. Allele origin: unknown.
Comment: This variant is considered likely benign. This variant is intronic and is not expected to impact mRNA splicing.

Color Diagnostics, LLC DBA Color Health
Classification: Likely benign for Hereditary cancer-predisposing syndrome. Last evaluated: 2019-02-26. Review status: criteria provided, single submitter. Criteria: ACMG Guidelines, 2015. Collection method: clinical testing. Allele origin: germline.

NM_000179.3(MSH6):c.4001+9C>T

Gene: MSH6 (mutS homolog 6; plus strand). Cytogenetic location: 2p16.3.
Variant type: single nucleotide variant.
Coding change: c.4001+9C>T on transcript NM_000179.3 (MANE Select); 9 bases into the intron after coding-DNA position 4001, C replaced by T.
Molecular consequence: intron variant.
Genome position (GRCh38, 1-based): chr2:47,806,660, C>T. VCF-style: chr2-47806660-C-T. GRCh37 (hg19) VCF-style: chr2-48033799-C-T.
Other names: c.3095+9C>T (NM_001281493.2, NM_001281494.2); c.3611+9C>T (NM_001281492.2).
Identifiers: ClinVar variation 455317 (VCV000455317.14), dbSNP rs1467103778, ClinGen allele CA658655778.